The following is an entry in ClinVar:

NC_000016.10:g.23603112T>G

Gene: PALB2 (partner and localizer of BRCA2; minus strand). Cytogenetic location: 16p12.2.
Variant type: single nucleotide variant.
Genome position: GRCh38 VCF-style: chr16-23603112-T-G. GRCh37 (hg19) VCF-style: chr16-23614433-T-G.
Identifiers: ClinVar variation 126568 (VCV000126568.3), dbSNP rs515726053, ClinGen allele CA269464.

ClinVar aggregate classification (germline): Likely benign (0 of 4 stars; one submission).

Conditions:
Familial cancer of breast. Also called: BREAST CANCER, FAMILIAL; hereditary breast carcinoma; Hereditary breast cancer. Identifiers: Orphanet 227535, MedGen C0346153, MONDO:0016419, OMIM 114480. Disease mechanism: loss of function.

Allele frequency attached by ClinVar (database versions not stated): gnomAD exomes 0.00015; 1000 Genomes Project 30x 0.00109; gnomAD 0.00125 and 0.00140; 1000 Genomes Project 0.00120; TOPMed 0.00146.

Submission:

Leiden Open Variation Database
Classification: Likely benign for Familial cancer of breast. Last evaluated: 2019-05-13. Review status: no assertion criteria provided. Collection method: curation. Allele origin: germline. Affected: yes.
Comment: Curators: Marc Tischkowitz, Arleen D. Auerbach. Submitter to LOVD: Marc Tischkowitz.

Literature cited by the submitters: PubMed 21932393.